The following is an entry in ClinVar:

ClinVar aggregate classification (germline): Uncertain significance (1 of 4 stars; one submission).

Submission:

Dasa
Classification: Uncertain significance. Last evaluated: 2026-08-11. Review status: criteria provided, single submitter. Criteria: DASA Assertion Criteria. Collection method: clinical testing. Allele origin: germline.
Comment: NM_030752.3(TCP1):c.1400T>C (p.Leu467Ser) is a missense variant that results in the substitution of leucine with serine. This variant is absent from population databases. Computational prediction algorithms are consistent with a deleterious effect. The currently available literature and clinical evidence are not sufficient to establish a definitive association between this variant and the reported condition. Therefore, this variant is classified as a variant of uncertain significance.

NM_030752.3(TCP1):c.1400T>C (p.Leu467Ser)

Gene: TCP1 (t-complex 1; minus strand). Cytogenetic location: 6q25.3.
Variant type: single nucleotide variant.
Coding change: c.1400T>C on transcript NM_030752.3 (MANE Select); coding-DNA position 1400, T replaced by C.
Protein change: p.Leu467Ser; replaces leucine 467 with serine.
Molecular consequence: missense variant.
Genome position (GRCh38, 1-based): chr6:159,779,681, A>G on the plus strand (T>C on the coding strand, the complement: TCP1 is on the minus strand). VCF-style: chr6-159779681-A-G. GRCh37 (hg19) VCF-style: chr6-160200713-A-G.
Other names: c.935T>C, p.Leu312Ser (NM_001008897.2); short protein forms L312S, L467S.
Identifiers: ClinVar variation 5020200 (VCV005020200.1).